The following is an entry in ClinVar:

NM_173546.3(KLHDC8B):c.392C>T (p.Ala131Val)

Gene: KLHDC8B (kelch domain containing 8B; plus strand). Cytogenetic location: 3p21.31.
Variant type: single nucleotide variant.
Coding change: c.392C>T on transcript NM_173546.3 (MANE Select); coding-DNA position 392, C replaced by T.
Protein change: p.Ala131Val; replaces alanine 131 with valine.
Molecular consequence: missense variant.
Genome position (GRCh38, 1-based): chr3:49,174,254, C>T. VCF-style: chr3-49174254-C-T. GRCh37 (hg19) VCF-style: chr3-49211687-C-T.
Other names: c.392C>T (NM_173546.2); short protein forms A131V.
Identifiers: ClinVar variation 3691117 (VCV003691117.3).

ClinVar aggregate classification (germline): Uncertain significance. Review status: criteria provided, multiple submitters, no conflicts (2 of 4 stars). 2 submissions from 2 submitters: Uncertain significance (2). Last evaluated 2025-08-10.

Submissions (2):

Ambry Genetics
Classification: Uncertain significance. Last evaluated: 2025-08-10. Review status: criteria provided, single submitter. Criteria: Ambry Variant Classification Scheme 2023. Collection method: clinical testing. Allele origin: germline.

Labcorp Genetics (formerly Invitae), Labcorp
Classification: Uncertain significance. Last evaluated: 2024-04-25. Review status: criteria provided, single submitter. Criteria: Invitae Variant Classification Sherloc (09022015). Collection method: clinical testing. Allele origin: germline.
Comment: This sequence change replaces alanine, which is neutral and non-polar, with valine, which is neutral and non-polar, at codon 131 of the KLHDC8B protein (p.Ala131Val). This variant is not present in population databases (gnomAD no frequency). This variant has not been reported in the literature in individuals affected with KLHDC8B-related conditions. An algorithm developed to predict the effect of missense changes on protein structure and function (PolyPhen-2) suggests that this variant is likely to be tolerated. In summary, the available evidence is currently insufficient to determine the role of this variant in disease. Therefore, it has been classified as a Variant of Uncertain Significance.